The following is an entry in ClinVar:

NM_002035.4(KDSR):c.460C>T (p.Arg154Trp)

Gene: KDSR (3-ketodihydrosphingosine reductase; minus strand). Cytogenetic location: 18q21.33.
Variant type: single nucleotide variant.
Coding change: c.460C>T on transcript NM_002035.4 (MANE Select); coding-DNA position 460, C replaced by T.
Protein change: p.Arg154Trp; replaces arginine 154 with tryptophan.
Molecular consequence: missense variant.
Genome position (GRCh38, 1-based): chr18:63,351,037, G>A on the plus strand (C>T on the coding strand, the complement: KDSR is on the minus strand). VCF-style: chr18-63351037-G-A. GRCh37 (hg19) VCF-style: chr18-61018270-G-A.
Other names: short protein forms R154W.
Identifiers: ClinVar variation 5005903 (VCV005005903.2).

ClinVar aggregate classification (germline): Likely pathogenic (1 of 4 stars; one submission).

Conditions:
Erythrokeratodermia variabilis et progressiva 4 (EKVP4). Identifiers: MedGen C4479620, MONDO:0033014, OMIM 617526.

Submission:

Juno Genomics, Hangzhou Juno Genomics, Inc
Classification: Likely pathogenic for Erythrokeratodermia variabilis et progressiva 4. Review status: criteria provided, single submitter. Criteria: ACMG Guidelines, 2015. Collection method: clinical testing. Allele origin: germline.
Comment: Absent from controls (or at extremely low frequency if recessive) in Genome Aggregation Database.;Multiple lines of computational evidence support a deleterious effect on the gene or gene product.;For recessive disorders, detected in trans with a pathogenic variant.;Co-segregation with disease in multiple affected family members.;Patient's phenotype or family history is highly specific for a disease with a single genetic etiology.